The following is an entry in ClinVar:

NM_033026.6(PCLO):c.8548G>A (p.Glu2850Lys)

Gene: PCLO (piccolo presynaptic cytomatrix protein; minus strand). Cytogenetic location: 7q21.11.
Variant type: single nucleotide variant.
Coding change: c.8548G>A on transcript NM_033026.6 (MANE Select); coding-DNA position 8548, G replaced by A.
Protein change: p.Glu2850Lys; replaces glutamic acid 2850 with lysine.
Molecular consequence: missense variant.
Genome position (GRCh38, 1-based): chr7:82,952,405, C>T on the plus strand (G>A on the coding strand, the complement: PCLO is on the minus strand). VCF-style: chr7-82952405-C-T. GRCh37 (hg19) VCF-style: chr7-82581721-C-T.
Other names: c.8548G>A, p.Glu2850Lys (NM_014510.3); short protein forms E2850K.
Identifiers: ClinVar variation 1465634 (VCV001465634.6), dbSNP rs1795377288, ClinGen allele CA367910867.

ClinVar aggregate classification (germline): Uncertain significance (1 of 4 stars; one submission).

Allele frequency attached by ClinVar (database versions not stated): gnomAD 0.00001.

Submission:

Labcorp Genetics (formerly Invitae), Labcorp
Classification: Uncertain significance. Last evaluated: 2022-07-19. Review status: criteria provided, single submitter. Criteria: Invitae Variant Classification Sherloc (09022015). Collection method: clinical testing. Allele origin: germline.
Comment: In summary, the available evidence is currently insufficient to determine the role of this variant in disease. Therefore, it has been classified as a Variant of Uncertain Significance. Algorithms developed to predict the effect of missense changes on protein structure and function are either unavailable or do not agree on the potential impact of this missense change (SIFT: "Deleterious"; PolyPhen-2: "Not Available"; Align-GVGD: "Class C0"). ClinVar contains an entry for this variant (Variation ID: 1465634). This variant has not been reported in the literature in individuals affected with PCLO-related conditions. This variant is not present in population databases (gnomAD no frequency). This sequence change replaces glutamic acid, which is acidic and polar, with lysine, which is basic and polar, at codon 2850 of the PCLO protein (p.Glu2850Lys).